The following is an entry in ClinVar:

NM_012188.5(FOXI1):c.231C>G (p.Pro77=)

Gene: FOXI1 (forkhead box I1; plus strand). Cytogenetic location: 5q35.1.
Variant type: single nucleotide variant.
Coding change: c.231C>G on transcript NM_012188.5 (MANE Select); coding-DNA position 231, C replaced by G.
Protein change: p.Pro77=; no amino-acid change (proline 77 retained).
Molecular consequence: synonymous variant.
Genome position (GRCh38, 1-based): chr5:170,106,188, C>G. VCF-style: chr5-170106188-C-G. GRCh37 (hg19) VCF-style: chr5-169533192-C-G.
Other names: c.231C>G, p.Pro77= (NM_144769.4); c.231C>G (NM_012188.4).
Identifiers: ClinVar variation 1622161 (VCV001622161.10), dbSNP rs550209761, ClinGen allele CA3554985.
Genomic context (GRCh38, chr5:170,106,188, plus strand): 5'-CACCCCCAACCCCTACCTCTGGTTCAACGGGCCCACCATGACCCCGCCACCCTACCTGCC[C>G]GGCCCCAACGCCAGCCCCTTCCTGCCCCAGGCCTATGGAGTGCAGAGGCCGCTGCTGCCC-3'
Protein context (NP_036320.2, residues 67-87): GPTMTPPPYL[Pro77=]GPNASPFLPQ

ClinVar aggregate classification (germline): Likely benign. Review status: criteria provided, multiple submitters, no conflicts (2 of 4 stars). 3 submissions from 3 submitters: Likely benign (3). Last evaluated 2026-02-01.

Conditions:
Autosomal recessive nonsyndromic hearing loss 4 (DFNB4). Also called: NEUROSENSORY NONSYNDROMIC RECESSIVE DEAFNESS 4; Enlarged vestibular aqueduct, digenic; Deafness, autosomal recessive 4, with enlarged vestibular aqueduct; Nonsyndromic enlarged vestibular aqueduct (NSEVA); Deafness, autosomal recessive 4; FOXI1-Related Pendred Syndrome. Identifiers: Orphanet 90636, MedGen C3538946, MONDO:0010933, OMIM 600791.
Pendred syndrome (PDS). Also called: GOITER-DEAFNESS SYNDROME; HYPOTHYROIDISM, CONGENITAL, DUE TO DYSHORMONOGENESIS, 2B; THYROID DYSHORMONOGENESIS 2B; THYROID HORMONOGENESIS, GENETIC DEFECT IN, 2B; Pendred Syndrome (PDS); DEAFNESS WITH GOITER. Identifiers: Orphanet 705, MedGen C0271829, MONDO:0010134, OMIM 274600.
FOXI1-related disorder. Also called: FOXI1-related condition.

Allele frequency attached by ClinVar (database versions not stated): gnomAD exomes 0.00011; 1000 Genomes Project 0.00020; ExAC 0.00022; 1000 Genomes Project 30x 0.00031; gnomAD 0.00048 and 0.00051.
gnomAD v4.1: 128 of 1,587,904 alleles (0.0081%); highest among the groups gnomAD compares: African/African-American, 0.17%; no homozygotes.

Submissions (3):

Labcorp Genetics (formerly Invitae), Labcorp
Classification: Likely benign. Last evaluated: 2026-02-01. Review status: criteria provided, single submitter. Criteria: Invitae Variant Classification Sherloc (09022015). Collection method: clinical testing. Allele origin: germline.

PreventionGenetics, part of Exact Sciences
Classification: Likely benign for FOXI1-related condition. Last evaluated: 2025-07-23. Review status: criteria provided, single submitter. Criteria: ACMG Guidelines, 2015. Collection method: clinical testing. Allele origin: germline.
Comment: This variant is classified as likely benign based on ACMG/AMP sequence variant interpretation guidelines (Richards et al. 2015 PMID: 25741868, with internal and published modifications).

Fulgent Genetics
Classification: Likely benign for Pendred syndrome; Autosomal recessive nonsyndromic hearing loss 4. Last evaluated: 2022-02-01. Review status: criteria provided, single submitter. Criteria: ACMG Guidelines, 2015. Collection method: clinical testing. Allele origin: unknown.